The following is an entry in ClinVar:

NM_032119.4(ADGRV1):c.9262G>C (p.Glu3088Gln)

Gene: ADGRV1 (adhesion G protein-coupled receptor V1; plus strand). Cytogenetic location: 5q14.3.
Variant type: single nucleotide variant.
Coding change: c.9262G>C on transcript NM_032119.4 (MANE Select); coding-DNA position 9262, G replaced by C.
Protein change: p.Glu3088Gln; replaces glutamic acid 3088 with glutamine.
Molecular consequence: missense variant. On other transcripts: non-coding transcript variant (1).
Genome position (GRCh38, 1-based): chr5:90,716,544, G>C. VCF-style: chr5-90716544-G-C. GRCh37 (hg19) VCF-style: chr5-90012361-G-C.
Other names: short protein forms E3088Q.
Identifiers: ClinVar variation 1010625 (VCV001010625.7), dbSNP rs931062858, ClinGen allele CA122805708.
Genomic context (GRCh38, chr5:90,716,544, plus strand): 5'-GCTAATGATGACGGCCCTGGAGTTCTATCATTTAACAACAGTGAGCACTTTTTCCTAAGA[G>C]AGCCAACAGCTCTCTACGTCCAGGAGAGTGTTGCAGTATTGTACATTGTTCGGGAACCTG-3'
Protein context (NP_115495.3, residues 3078-3098): FNNSEHFFLR[Glu3088Gln]PTALYVQESV

ClinVar aggregate classification (germline): Uncertain significance (1 of 4 stars; one submission).

Allele frequency attached by ClinVar (database versions not stated): TOPMed 0.00001.
gnomAD v4.1: 3 of 1,612,728 alleles (0.00019%); highest among the groups gnomAD compares: Non-Finnish European, 0.00017%; no homozygotes.

Submission:

Labcorp Genetics (formerly Invitae), Labcorp
Classification: Uncertain significance. Last evaluated: 2025-05-19. Review status: criteria provided, single submitter. Criteria: Invitae Variant Classification Sherloc (09022015). Collection method: clinical testing. Allele origin: germline.
Comment: This sequence change replaces glutamic acid, which is acidic and polar, with glutamine, which is neutral and polar, at codon 3088 of the ADGRV1 protein (p.Glu3088Gln). This variant is not present in population databases (gnomAD no frequency). This variant has not been reported in the literature in individuals affected with ADGRV1-related conditions. ClinVar contains an entry for this variant (Variation ID: 1010625). Invitae Evidence Modeling of protein sequence and biophysical properties (such as structural, functional, and spatial information, amino acid conservation, physicochemical variation, residue mobility, and thermodynamic stability) indicates that this missense variant is not expected to disrupt ADGRV1 protein function with a negative predictive value of 95%. In summary, the available evidence is currently insufficient to determine the role of this variant in disease. Therefore, it has been classified as a Variant of Uncertain Significance.